The following is an entry in ClinVar:

ClinVar aggregate classification (germline): Uncertain significance. Review status: criteria provided, multiple submitters, no conflicts (2 of 4 stars). 3 submissions from 3 submitters: Uncertain significance (3). Last evaluated 2025-04-10.

Conditions:
Autosomal recessive distal renal tubular acidosis. Identifiers: Orphanet 402041, MedGen C1864498, MONDO:0018440.
Inborn genetic diseases. Identifiers: MedGen C0950123, MeSH D030342.
Renal tubular acidosis, distal, 3, with or without sensorineural hearing loss (DRTA3). Identifiers: MedGen C5399980, MONDO:0011268, OMIM 602722.

Allele frequency attached by ClinVar (database versions not stated): gnomAD below 0.00001 and 0.00008; TOPMed 0.00001; gnomAD exomes 0.00009 and 0.00016; 1000 Genomes Project 30x 0.00016; ExAC 0.00018; 1000 Genomes Project 0.00020.
gnomAD v4.1: 145 of 1,613,820 alleles (0.009%); highest among the groups gnomAD compares: South Asian, 0.15%; 1 homozygote.

Submissions (3):

Ambry Genetics
Classification: Uncertain significance for Inborn genetic diseases. Last evaluated: 2025-04-10. Review status: criteria provided, single submitter. Criteria: Ambry Variant Classification Scheme 2023. Collection method: clinical testing. Allele origin: germline.

Neuberg Centre For Genomic Medicine, NCGM
Classification: Uncertain significance for Renal tubular acidosis, distal, 3, with or without sensorineural hearing loss. Last evaluated: 2023-06-22. Review status: criteria provided, single submitter. Criteria: ACMG Guidelines, 2015. Collection method: clinical testing. Allele origin: germline. Inheritance: Autosomal recessive inheritance. Affected: yes.
Comment: The observed missense c.808T>A(p.Leu270Ile) variant in ATP6V0A4 gene has not been reported previously as a pathogenic variant nor as a benign variant, to our knowledge. This variant is present with an allele frequency of 0.02% in gnomAD Exomes database. This variant has been submitted to the ClinVar database as Uncertain significance. Computational evidence (Polyphen -probably damaging , SIFT - Tolerated and MutationTaster -disease causing) predicts conflicting evidence on protein structure and function for this variant. The amino acid Leu at position 270 is changed to a Ile changing protein sequence and it might alter its composition and physico-chemical properties. For these reasons, this variant has been classified as Uncertain Significance (VUS). In absence of another reportable variant in ATP6V0A4 gene, the molecular diagnosis is not confirmed

Illumina Laboratory Services, Illumina
Classification: Uncertain significance for Renal tubular acidosis, distal, 3, with or without sensorineural hearing loss. Last evaluated: 2018-01-13. Review status: criteria provided, single submitter. Criteria: ICSL Variant Classification Criteria 13 December 2019. Collection method: clinical testing. Allele origin: germline.

NM_020632.3(ATP6V0A4):c.808T>A (p.Leu270Ile)

Gene: ATP6V0A4 (ATPase H+ transporting V0 subunit a4; minus strand). Cytogenetic location: 7q34.
Variant type: single nucleotide variant.
Coding change: c.808T>A on transcript NM_020632.3 (MANE Select); coding-DNA position 808, T replaced by A.
Protein change: p.Leu270Ile; replaces leucine 270 with isoleucine.
Molecular consequence: missense variant.
Genome position (GRCh38, 1-based): chr7:138,755,697, A>T on the plus strand (T>A on the coding strand, the complement: ATP6V0A4 is on the minus strand). VCF-style: chr7-138755697-A-T. GRCh37 (hg19) VCF-style: chr7-138440442-A-T.
Other names: c.808T>A, p.Leu270Ile (NM_130840.3, NM_130841.3); short protein forms L270I.
Identifiers: ClinVar variation 359025 (VCV000359025.7), dbSNP rs538080700, ClinGen allele CA4504991.